The following is an entry in ClinVar:

NM_000257.4(MYH7):c.3662A>G (p.Lys1221Arg)

Gene: MYH7 (myosin heavy chain 7; minus strand). Cytogenetic location: 14q11.2.
Variant type: single nucleotide variant.
Coding change: c.3662A>G on transcript NM_000257.4 (MANE Select); coding-DNA position 3662, A replaced by G.
Protein change: p.Lys1221Arg; replaces lysine 1221 with arginine.
Molecular consequence: missense variant.
Genome position (GRCh38, 1-based): chr14:23,419,909, T>C on the plus strand (A>G on the coding strand, the complement: MYH7 is on the minus strand). VCF-style: chr14-23419909-T-C. GRCh37 (hg19) VCF-style: chr14-23889118-T-C.
Other names: c.3662A>G, p.Lys1221Arg (NM_001407004.1); short protein forms K1221R.
Identifiers: ClinVar variation 3070457 (VCV003070457.1), dbSNP rs2502263814, ClinGen allele CA389043127.

ClinVar aggregate classification (germline): Uncertain significance (1 of 4 stars; one submission).

Conditions:
Cardiomyopathy (CMYO). Also called: Cardiomyopathies. Identifiers: Orphanet 167848, MedGen C0878544, MONDO:0004994, HP:0001638. Inheritance: Various modes of inheritance.

Submission:

All of Us Research Program, National Institutes of Health
Classification: Uncertain significance for Cardiomyopathy. Last evaluated: 2023-04-10. Review status: criteria provided, single submitter. Criteria: ACMG Guidelines, 2015. Collection method: clinical testing. Allele origin: germline. Inheritance: Autosomal dominant inheritance. Observed: 1 variant allele, 1 heterozygote.
Comment: This missense variant replaces lysine with arginine at codon 1221 of the MYH7 protein. Computational prediction is inconclusive regarding the impact of this variant on protein structure and function (internally defined REVEL score threshold 0.5 < inconclusive < 0.7, PMID: 27666373). To our knowledge, functional studies have not been reported for this variant. This variant has not been reported in individuals affected with MYH7-related disorders in the literature. This variant has not been identified in the general population by the Genome Aggregation Database (gnomAD). The available evidence is insufficient to determine the role of this variant in disease conclusively. Therefore, this variant is classified as a Variant of Uncertain Significance.

This study involves interpretation of variants in research participants for the purpose of population health screening. Participant phenotype was not available at the time of variant classification. Additional details can be found in publication PMID: 35346344, PMCID: PMC8962531